The following is an entry in ClinVar:

ClinVar aggregate classification (germline): Uncertain significance (1 of 4 stars; one submission).

Conditions:
Cardiovascular phenotype. Identifiers: MedGen CN230736.

Submission:

Ambry Genetics
Classification: Uncertain significance for Cardiovascular phenotype. Last evaluated: 2026-07-23. Review status: criteria provided, single submitter. Criteria: Ambry Variant Classification Scheme 2023. Collection method: clinical testing. Allele origin: germline.
Comment: The p.G360S variant (also known as c.1078G>A), located in coding exon 7 of the LMF1 gene, results from a G to A substitution at nucleotide position 1078. The amino acid change results in glycine to serine at codon 360, an amino acid with similar properties. However, this change occurs in the last base pair of coding exon 7, which makes it likely to have some effect on normal mRNA splicing. This nucleotide position is well conserved in available vertebrate species. This amino acid position is well conserved in available vertebrate species. In silico splice site analysis for this alteration is inconclusive.In addition, as a missense substitution this is predicted to be tolerated by in silico analysis. Based on the available evidence, the clinical significance of this variant remains unclear.

NM_022773.4(LMF1):c.1078G>A (p.Gly360Ser)

Gene: LMF1 (lipase maturation factor 1; minus strand). Cytogenetic location: 16p13.3.
Variant type: single nucleotide variant.
Coding change: c.1078G>A on transcript NM_022773.4 (MANE Select); coding-DNA position 1078, G replaced by A.
Protein change: p.Gly360Ser; replaces glycine 360 with serine.
Molecular consequence: missense variant. On other transcripts: non-coding transcript variant (1).
Genome position (GRCh38, 1-based): chr16:871,161, C>T on the plus strand (G>A on the coding strand, the complement: LMF1 is on the minus strand). VCF-style: chr16-871161-C-T. GRCh37 (hg19) VCF-style: chr16-921161-C-T.
Other names: c.427G>A, p.Gly143Ser (NM_001352017.2, NM_001352021.2); c.679G>A, p.Gly227Ser (NM_001352018.2); c.751G>A, p.Gly251Ser (NM_001352019.2); c.1078G>A, p.Gly360Ser (NM_001352020.1); short protein forms G360S, G251S, G143S, G227S.
Identifiers: ClinVar variation 1785484 (VCV001785484.3), dbSNP rs762677583, ClinGen allele CA7797221.